The following is an entry in ClinVar:

NM_016507.4(CDK12):c.5C>T (p.Pro2Leu)

Genes: CDK12 (cyclin dependent kinase 12; plus strand), LOC126862553 (CDK7 strongly-dependent group 2 enhancer GRCh37_chr17:37618166-37619365; plus strand). Cytogenetic location: 17q12.
Variant type: single nucleotide variant.
Coding change: c.5C>T on transcript NM_016507.4 (MANE Select); coding-DNA position 5, C replaced by T.
Protein change: p.Pro2Leu; replaces proline 2 with leucine.
Molecular consequence: missense variant.
Genome position (GRCh38, 1-based): chr17:39,462,076, C>T. VCF-style: chr17-39462076-C-T. GRCh37 (hg19) VCF-style: chr17-37618329-C-T.
Other names: c.5C>T, p.Pro2Leu (NM_015083.4); short protein forms P2L.
Identifiers: ClinVar variation 4868545 (VCV004868545.1).

ClinVar aggregate classification (germline): Uncertain significance (1 of 4 stars; one submission).

gnomAD v4.1: 1 of 1,613,570 alleles (0.000062%); highest among the groups gnomAD compares: Non-Finnish European, 0.000085%; no homozygotes.

Submission:

Ambry Genetics
Classification: Uncertain significance. Last evaluated: 2026-05-18. Review status: criteria provided, single submitter. Criteria: Ambry Variant Classification Scheme 2023. Collection method: clinical testing. Allele origin: germline.
Comment: The p.P2L variant (also known as c.5C>T), located in coding exon 1 of the CDK12 gene, results from a C to T substitution at nucleotide position 5. The proline at codon 2 is replaced by leucine, an amino acid with similar properties. This amino acid position is conserved. In addition, the in silico prediction for this alteration is inconclusive. Based on the available evidence, the clinical significance of this variant remains unclear.